The following is an entry in ClinVar:

NM_178170.3(NEK8):c.278A>G (p.Gln93Arg)

Gene: NEK8 (NIMA related kinase 8; plus strand). Cytogenetic location: 17q11.2.
Variant type: single nucleotide variant.
Coding change: c.278A>G on transcript NM_178170.3 (MANE Select); coding-DNA position 278, A replaced by G.
Protein change: p.Gln93Arg; replaces glutamine 93 with arginine.
Molecular consequence: missense variant.
Genome position (GRCh38, 1-based): chr17:28,734,796, A>G. VCF-style: chr17-28734796-A-G. GRCh37 (hg19) VCF-style: chr17-27061814-A-G.
Other names: short protein forms Q93R.
Identifiers: ClinVar variation 4996623 (VCV004996623.1).

ClinVar aggregate classification (germline): Uncertain significance (1 of 4 stars; one submission).

Conditions:
NEK8-related disorder. Also called: NEK8-related condition.

Submission:

PreventionGenetics, part of Exact Sciences
Classification: Uncertain significance for NEK8-related condition. Last evaluated: 2026-08-28. Review status: criteria provided, single submitter. Criteria: ACMG Guidelines, 2015. Collection method: clinical testing. Allele origin: germline.
Comment: The NEK8 c.278A>G variant is predicted to result in the amino acid substitution p.Gln93Arg. To our knowledge, this variant has not been reported in the literature or in a large population database (gnomAD), indicating this variant is rare. At this time, the clinical significance of this variant is uncertain due to the absence of conclusive functional and genetic evidence.